The following is an entry in ClinVar:

ClinVar aggregate classification (germline): Benign (0 of 4 stars; one submission).

Conditions:
Orthostatic hypotension 1 (ORTHYP1). Also called: NORADRENALINE DEFICIENCY; NOREPINEPHRINE DEFICIENCY; Orthostatic hypotension 1, due to DBH deficiency; Dopamine beta-hydroxylase deficiency. Identifiers: Orphanet 230, MedGen C4746777, MONDO:0009123, OMIM 223360.

Submission:

GeneReviews
Classification: Benign for Orthostatic hypotension 1. Last evaluated: 2015-10-29. Review status: no assertion criteria provided. Collection method: literature only. Allele origin: germline. Affected: yes.
Comment: GT dinucleotide repeat sequence that varies between 11 and 15 repeats in a population.

Literature cited by the submitters: PubMed 1561108; PubMed 9654201.

NC_000009.11:g.136496870_136496871(11_15)

Gene: DBH (dopamine beta-hydroxylase; plus strand). Cytogenetic location: 9q34.2.
Variant type: Microsatellite.
Identifiers: ClinVar variation 217757 (VCV000217757.2), dbSNP rs72191426.